The following is an entry in ClinVar:

NM_030928.4(CDT1):c.650C>T (p.Ala217Val)

Gene: CDT1 (chromatin licensing and DNA replication factor 1; plus strand). Cytogenetic location: 16q24.3.
Variant type: single nucleotide variant.
Coding change: c.650C>T on transcript NM_030928.4 (MANE Select); coding-DNA position 650, C replaced by T.
Protein change: p.Ala217Val; replaces alanine 217 with valine.
Molecular consequence: missense variant.
Genome position (GRCh38, 1-based): chr16:88,805,601, C>T. VCF-style: chr16-88805601-C-T. GRCh37 (hg19) VCF-style: chr16-88872009-C-T.
Other names: c.650C>T (NM_030928.3); short protein forms A217V.
Identifiers: ClinVar variation 1917259 (VCV001917259.6), dbSNP rs752647897, ClinGen allele CA8233746.
Genomic context (GRCh38, chr16:88,805,601, plus strand): 5'-TCCGCAGCATGGACACCATCGTGGGCATGCTCCACAACCGCTCCGAGACGCCCACCTTTG[C>T]CAAGGTCCAGCGGGGCGTCCAGGACATGATGCGTAGGTGAGTGGCCGGGGGTGGGCTGTG-3'
Protein context (NP_112190.2, residues 207-227): LHNRSETPTF[Ala217Val]KVQRGVQDMM

ClinVar aggregate classification (germline): Uncertain significance. Review status: criteria provided, multiple submitters, no conflicts (2 of 4 stars). 2 submissions from 2 submitters: Uncertain significance (2). Last evaluated 2025-04-17.

Conditions:
Inborn genetic diseases. Identifiers: MedGen C0950123, MeSH D030342.

Allele frequency attached by ClinVar (database versions not stated): ExAC 0.00002.
gnomAD v4.1: 3 of 1,612,816 alleles (0.00019%); highest among the groups gnomAD compares: East Asian, 0.0067%; no homozygotes.

Submissions (2):

Labcorp Genetics (formerly Invitae), Labcorp
Classification: Uncertain significance. Last evaluated: 2025-04-17. Review status: criteria provided, single submitter. Criteria: Invitae Variant Classification Sherloc (09022015). Collection method: clinical testing. Allele origin: germline.
Comment: This sequence change replaces alanine, which is neutral and non-polar, with valine, which is neutral and non-polar, at codon 217 of the CDT1 protein (p.Ala217Val). This variant is present in population databases (rs752647897, gnomAD 0.03%). This variant has not been reported in the literature in individuals affected with CDT1-related conditions. ClinVar contains an entry for this variant (Variation ID: 1917259). An algorithm developed to predict the effect of missense changes on protein structure and function (PolyPhen-2) suggests that this variant is likely to be tolerated. In summary, the available evidence is currently insufficient to determine the role of this variant in disease. Therefore, it has been classified as a Variant of Uncertain Significance.

Ambry Genetics
Classification: Uncertain significance for Inborn genetic diseases. Last evaluated: 2024-05-20. Review status: criteria provided, single submitter. Criteria: Ambry Variant Classification Scheme 2023. Collection method: clinical testing. Allele origin: germline.